The following is an entry in ClinVar:

NM_000395.3(CSF2RB):c.2289T>A (p.Phe763Leu)

Gene: CSF2RB (colony stimulating factor 2 receptor subunit beta; plus strand). Cytogenetic location: 22q12.3.
Variant type: single nucleotide variant.
Coding change: c.2289T>A on transcript NM_000395.3 (MANE Select); coding-DNA position 2289, T replaced by A.
Protein change: p.Phe763Leu; replaces phenylalanine 763 with leucine.
Molecular consequence: missense variant.
Genome position (GRCh38, 1-based): chr22:36,938,097, T>A. VCF-style: chr22-36938097-T-A. GRCh37 (hg19) VCF-style: chr22-37334139-T-A.
Other names: c.2307T>A, p.Phe769Leu (NM_001410827.1); short protein forms F769L, F763L.
Identifiers: ClinVar variation 2135725 (VCV002135725.4), dbSNP rs1449013828, ClinGen allele CA411411201.

ClinVar aggregate classification (germline): Uncertain significance (1 of 4 stars; one submission).

gnomAD v4.1: 1 of 1,614,026 alleles (0.000062%); no homozygotes.

Submission:

Labcorp Genetics (formerly Invitae), Labcorp
Classification: Uncertain significance. Last evaluated: 2022-05-08. Review status: criteria provided, single submitter. Criteria: Invitae Variant Classification Sherloc (09022015). Collection method: clinical testing. Allele origin: germline.
Comment: This variant has not been reported in the literature in individuals affected with CSF2RB-related conditions. In summary, the available evidence is currently insufficient to determine the role of this variant in disease. Therefore, it has been classified as a Variant of Uncertain Significance. Algorithms developed to predict the effect of missense changes on protein structure and function output the following: SIFT: "Tolerated"; PolyPhen-2: "Benign"; Align-GVGD: "Class C0". The leucine amino acid residue is found in multiple mammalian species, which suggests that this missense change does not adversely affect protein function. This variant is present in population databases (no rsID available, gnomAD no frequency). This sequence change replaces phenylalanine, which is neutral and non-polar, with leucine, which is neutral and non-polar, at codon 763 of the CSF2RB protein (p.Phe763Leu).